The following is an entry in ClinVar:

NM_020117.11(LARS1):c.2396+304A>G

Gene: LARS1 (leucyl-tRNA synthetase 1; minus strand). Cytogenetic location: 5q32.
Variant type: single nucleotide variant.
Coding change: c.2396+304A>G on transcript NM_020117.11 (MANE Select); 304 bases into the intron after coding-DNA position 2396, A replaced by G.
Molecular consequence: intron variant.
Genome position (GRCh38, 1-based): chr5:146,132,594, T>C on the plus strand (A>G on the coding strand, the complement: LARS1 is on the minus strand). VCF-style: chr5-146132594-T-C. GRCh37 (hg19) VCF-style: chr5-145512157-T-C.
Other names: c.2234+304A>G (NM_001317965.2); c.2315+304A>G (NM_016460.4); c.2258+304A>G (NM_001317964.2).
Identifiers: ClinVar variation 684231 (VCV000684231.1), dbSNP rs72822208, ClinGen allele CA128839921.
Genomic context (GRCh38, chr5:146,132,594, plus strand): 5'-GTAAAATGGTTATGAGAACAGACTTTCAAGACAGACAGAAGCAAGTTCATATCCCAAGTT[T>C]GCAACTACTAGCTTTAAGGCATTTAAGGAAATACTTAATTGTTCTAAGCTTCAGTTTCTT-3'

ClinVar aggregate classification (germline): Benign (1 of 4 stars; one submission).

Allele frequency attached by ClinVar (database versions not stated): 1000 Genomes Project 0.04253; 1000 Genomes Project 30x 0.04341; TOPMed 0.06108; gnomAD 0.06153 and 0.06253; gnomAD exomes 0.06392.
gnomAD v4.1: 12,752 of 205,612 alleles (6.2%); highest among the groups gnomAD compares: Non-Finnish European, 6.9%; 476 homozygotes.

Submission:

GeneDx
Classification: Benign. Last evaluated: 2018-06-14. Review status: criteria provided, single submitter. Criteria: GeneDx Variant Classification (06012015). Collection method: clinical testing. Allele origin: germline. Affected: yes.
Comment: This variant is considered likely benign or benign based on one or more of the following criteria: it is a conservative change, it occurs at a poorly conserved position in the protein, it is predicted to be benign by multiple in silico algorithms, and/or has population frequency not consistent with disease.